The following is an entry in ClinVar:

NM_152564.5(VPS13B):c.4051A>T (p.Met1351Leu)

Gene: VPS13B (vacuolar protein sorting 13 homolog B; plus strand). Cytogenetic location: 8q22.2.
Variant type: single nucleotide variant.
Coding change: c.4051A>T on transcript NM_152564.5 (MANE Select); coding-DNA position 4051, A replaced by T.
Protein change: p.Met1351Leu; replaces methionine 1351 with leucine.
Molecular consequence: missense variant.
Genome position (GRCh38, 1-based): chr8:99,502,844, A>T. VCF-style: chr8-99502844-A-T. GRCh37 (hg19) VCF-style: chr8-100515072-A-T.
Other names: c.4051A>T (NM_152564.4); c.4051A>T, p.Met1351Leu (NM_017890.5); short protein forms M1351L.
Identifiers: ClinVar variation 1442171 (VCV001442171.5), dbSNP rs1821315813, ClinGen allele CA371869901.
Genomic context (GRCh38, chr8:99,502,844, plus strand): 5'-TAATATTAATTGTGAAGACTGTGTTGATATTACTGCTTGTTTCTTATTGCAGAGGTTTGT[A>T]TGGTCAGTGAACTAGAAGATCTCAGTGCTTCCATAGATGTCCAGGATGTATATACCAAAG-3'
Protein context (NP_689777.3, residues 1341-1361): DPENKGTEVC[Met1351Leu]VSELEDLSAS

ClinVar aggregate classification (germline): Uncertain significance. Review status: criteria provided, multiple submitters, no conflicts (2 of 4 stars). 2 submissions from 2 submitters: Uncertain significance (2). Last evaluated 2026-08-27.

Conditions:
Cohen syndrome (COH1). Also called: PEPPER SYNDROME; Cutis verticis gyrata, retinitis pigmentosa, and sensorineural deafness. Identifiers: Orphanet 193, MedGen C0265223, MONDO:0008999, OMIM 216550.
VPS13B-related disorder. Also called: VPS13B-related condition.

Allele frequency attached by ClinVar (database versions not stated): gnomAD 0.00001.

Submissions (2):

PreventionGenetics, part of Exact Sciences
Classification: Uncertain significance for VPS13B-related condition. Last evaluated: 2026-08-27. Review status: criteria provided, single submitter. Criteria: ACMG Guidelines, 2015. Collection method: clinical testing. Allele origin: germline.
Comment: The VPS13B c.4051A>T variant is predicted to result in the amino acid substitution p.Met1351Leu. To our knowledge, this variant has not been reported in the literature or in a large population database (gnomAD), indicating this variant is rare. At this time, the clinical significance of this variant is uncertain due to the absence of conclusive functional and genetic evidence.

Labcorp Genetics (formerly Invitae), Labcorp
Classification: Uncertain significance for Cohen syndrome. Last evaluated: 2021-09-05. Review status: criteria provided, single submitter. Criteria: Invitae Variant Classification Sherloc (09022015). Collection method: clinical testing. Allele origin: germline.
Comment: In summary, the available evidence is currently insufficient to determine the role of this variant in disease. Therefore, it has been classified as a Variant of Uncertain Significance. Algorithms developed to predict the effect of missense changes on protein structure and function are either unavailable or do not agree on the potential impact of this missense change (SIFT: "Not Available"; PolyPhen-2: "Benign"; Align-GVGD: "Not Available"). This variant has not been reported in the literature in individuals affected with VPS13B-related conditions. This variant is not present in population databases (ExAC no frequency). This sequence change replaces methionine with leucine at codon 1351 of the VPS13B protein (p.Met1351Leu). The methionine residue is weakly conserved and there is a small physicochemical difference between methionine and leucine.